The following is an entry in ClinVar:

NM_004304.5(ALK):c.3291C>T (p.Cys1097=)

Gene: ALK (ALK receptor tyrosine kinase; minus strand). Cytogenetic location: 2p23.2.
Variant type: single nucleotide variant.
Coding change: c.3291C>T on transcript NM_004304.5 (MANE Select); coding-DNA position 3291, C replaced by T.
Protein change: p.Cys1097=; no amino-acid change (cysteine 1097 retained).
Molecular consequence: synonymous variant.
Genome position (GRCh38, 1-based): chr2:29,223,410, G>A on the plus strand (C>T on the coding strand, the complement: ALK is on the minus strand). VCF-style: chr2-29223410-G-A. GRCh37 (hg19) VCF-style: chr2-29446276-G-A.
Other names: c.87C>T, p.Cys29= (NM_001353765.2).
Identifiers: ClinVar variation 470824 (VCV000470824.26), dbSNP rs370170353, ClinGen allele CA1594015.

ClinVar aggregate classification (germline): Benign/Likely benign. Review status: criteria provided, multiple submitters, no conflicts (2 of 4 stars). 6 submissions from 6 submitters: Benign (1); Likely benign (3). 2 of the submissions do not count toward it. Last evaluated 2026-01-14.

Conditions:
ALK-related disorder. Also called: ALK-related condition.
Hereditary cancer-predisposing syndrome. Also called: Hereditary neoplastic syndrome; Neoplastic Syndromes, Hereditary; Tumor predisposition; Hereditary Cancer Syndrome. Identifiers: Orphanet 140162, MedGen C0027672, MeSH D009386, MONDO:0015356.
Neuroblastoma, susceptibility to, 3. Also called: ALK-Related Neuroblastic Tumor Susceptibility. Identifiers: Orphanet 635, MedGen C2751681, MONDO:0013083, OMIM 613014.

Allele frequency attached by ClinVar (database versions not stated): 1000 Genomes Project 30x 0.00016; 1000 Genomes Project 0.00020; gnomAD 0.00021 and 0.00022; TOPMed 0.00023; ESP Exome Variant Server 0.00031.
gnomAD v4.1: 69 of 1,614,222 alleles (0.0043%); highest among the groups gnomAD compares: African/African-American, 0.084%; no homozygotes.

Submissions (6):

Labcorp Genetics (formerly Invitae), Labcorp
Classification: Likely benign for Neuroblastoma, susceptibility to, 3. Last evaluated: 2026-01-14. Review status: criteria provided, single submitter. Criteria: Invitae Variant Classification Sherloc (09022015). Collection method: clinical testing. Allele origin: germline.

Sema4
Classification: Likely benign for Hereditary cancer-predisposing syndrome. Last evaluated: 2021-11-12. Review status: criteria provided, single submitter. Criteria: Sema4 Curation Guidelines. Collection method: curation. Allele origin: germline.

Ambry Genetics
Classification: Likely benign for Hereditary cancer-predisposing syndrome. Last evaluated: 2018-11-14. Review status: criteria provided, single submitter. Criteria: Ambry Variant Classification Scheme 2023. Collection method: clinical testing. Allele origin: germline.

Illumina Laboratory Services, Illumina
Classification: Benign for Neuroblastoma, susceptibility to, 3. Last evaluated: 2017-04-28. Review status: criteria provided, single submitter. Criteria: ICSL Variant Classification Criteria 13 December 2019. Collection method: clinical testing. Allele origin: germline.
Comment: This variant was observed as part of a predisposition screen in an ostensibly healthy population. A literature search was performed for the gene, cDNA change, and amino acid change (where applicable). No publications were found based on this search. Allele frequency data from public databases was too high to be consistent with this variant causing disease. Therefore, this variant is classified as benign.

PreventionGenetics, part of Exact Sciences
Classification: Likely benign for ALK-related condition. Last evaluated: 2022-04-26. Review status: no assertion criteria provided. Collection method: clinical testing. Allele origin: germline. Not counted in ClinVar's aggregate classification.
Comment: This variant is classified as likely benign based on ACMG/AMP sequence variant interpretation guidelines (Richards et al. 2015 PMID: 25741868, with internal and published modifications).

Eurofins Ntd Llc (ga)
Classification: Uncertain significance. Last evaluated: 2018-03-09. Review status: flagged submission. Criteria: EGL ClinVar v180209 classification definitions. Collection method: clinical testing. Allele origin: germline. Observed: 1 variant allele, 1 heterozygote. Not counted in ClinVar's aggregate classification.
ClinVar note: Reason: Outlier claim with insufficient supporting evidence